The following is an entry in ClinVar:

NM_001183.6(ATP6AP1):c.35T>G (p.Met12Arg)

Gene: ATP6AP1 (ATPase H+ transporting accessory protein 1; plus strand). Cytogenetic location: Xq28.
Variant type: single nucleotide variant.
Coding change: c.35T>G on transcript NM_001183.6 (MANE Select); coding-DNA position 35, T replaced by G.
Protein change: p.Met12Arg; replaces methionine 12 with arginine.
Molecular consequence: missense variant.
Genome position (GRCh38, 1-based): chrX:154,428,727, T>G. VCF-style: chrX-154428727-T-G. GRCh37 (hg19) VCF-style: chrX-153657073-T-G.
Other names: short protein forms M12R.
Identifiers: ClinVar variation 3252310 (VCV003252310.1), dbSNP rs2068677249.

ClinVar aggregate classification (germline): Uncertain significance (1 of 4 stars; one submission).

Allele frequency attached by ClinVar (database versions not stated): TOPMed 0.00001.

Submission:

GeneDx
Classification: Uncertain significance. Last evaluated: 2023-06-11. Review status: criteria provided, single submitter. Criteria: GeneDx Variant Classification Process June 2021. Collection method: clinical testing. Allele origin: germline. Affected: yes.
Comment: Not observed at significant frequency in large population cohorts (gnomAD); In silico analysis supports that this missense variant does not alter protein structure/function; Has not been previously published as pathogenic or benign to our knowledge